The following is an entry in ClinVar:

ClinVar aggregate classification (germline): Uncertain significance. Review status: criteria provided, multiple submitters, no conflicts (2 of 4 stars). 2 submissions from 2 submitters: Uncertain significance (2). Last evaluated 2023-03-13.

Conditions:
Syndromic multisystem autoimmune disease due to ITCH deficiency. Also called: AUTOIMMUNE DISEASE, MULTISYSTEM, WITH FACIAL DYSMORPHISM. Identifiers: Orphanet 228426, MedGen C3150649, MONDO:0013245, OMIM 613385.
Inborn genetic diseases. Identifiers: MedGen C0950123, MeSH D030342.

Allele frequency attached by ClinVar (database versions not stated): gnomAD exomes below 0.00001.
gnomAD v4.1: 1 of 1,613,970 alleles (0.000062%); highest among the groups gnomAD compares: Admixed American, 0.0017%; no homozygotes.

Submissions (2):

Ambry Genetics
Classification: Uncertain significance for Inborn genetic diseases. Last evaluated: 2023-03-13. Review status: criteria provided, single submitter. Criteria: Ambry Variant Classification Scheme 2023. Collection method: clinical testing. Allele origin: germline.

Labcorp Genetics (formerly Invitae), Labcorp
Classification: Uncertain significance for Syndromic multisystem autoimmune disease due to ITCH deficiency. Last evaluated: 2021-07-14. Review status: criteria provided, single submitter. Criteria: Invitae Variant Classification Sherloc (09022015). Collection method: clinical testing. Allele origin: germline.
Comment: In summary, the available evidence is currently insufficient to determine the role of this variant in disease. Therefore, it has been classified as a Variant of Uncertain Significance. Algorithms developed to predict the effect of missense changes on protein structure and function output the following: SIFT: "Not Available"; PolyPhen-2: "Benign"; Align-GVGD: "Not Available". The serine amino acid residue is found in multiple mammalian species, which suggests that this missense change does not adversely affect protein function. This variant has not been reported in the literature in individuals affected with ITCH-related conditions. This variant is not present in population databases (ExAC no frequency). This sequence change replaces arginine with serine at codon 192 of the ITCH protein (p.Arg192Ser). The arginine residue is weakly conserved and there is a moderate physicochemical difference between arginine and serine.

NM_031483.7(ITCH):c.576G>C (p.Arg192Ser)

Gene: ITCH (itchy E3 ubiquitin protein ligase; plus strand). Cytogenetic location: 20q11.22.
Variant type: single nucleotide variant.
Coding change: c.576G>C on transcript NM_031483.7 (MANE Select); coding-DNA position 576, G replaced by C.
Protein change: p.Arg192Ser; replaces arginine 192 with serine.
Molecular consequence: missense variant.
Genome position (GRCh38, 1-based): chr20:34,438,528, G>C. VCF-style: chr20-34438528-G-C. GRCh37 (hg19) VCF-style: chr20-33026333-G-C.
Other names: c.699G>C, p.Arg233Ser (NM_001257137.3, NM_001324197.2); c.246G>C, p.Arg82Ser (NM_001257138.3); c.576G>C, p.Arg192Ser (NM_001324198.2); c.576G>C (NM_031483.4); short protein forms R233S, R192S, R82S.
Identifiers: ClinVar variation 1367483 (VCV001367483.9), dbSNP rs1439066122, ClinGen allele CA408662606.